The following is an entry in ClinVar:

NM_001042492.3(NF1):c.538T>A (p.Leu180Ile)

Gene: NF1 (neurofibromin 1; plus strand). Cytogenetic location: 17q11.2.
Variant type: single nucleotide variant.
Coding change: c.538T>A on transcript NM_001042492.3 (MANE Select); coding-DNA position 538, T replaced by A.
Protein change: p.Leu180Ile; replaces leucine 180 with isoleucine.
Molecular consequence: missense variant.
Genome position (GRCh38, 1-based): chr17:31,169,949, T>A. VCF-style: chr17-31169949-T-A. GRCh37 (hg19) VCF-style: chr17-29496967-T-A.
Other names: c.538T>A, p.Leu180Ile (NM_000267.4, NM_001128147.3); short protein forms L180I.
Identifiers: ClinVar variation 3404683 (VCV003404683.1).

ClinVar aggregate classification (germline): Uncertain significance (1 of 4 stars; one submission).

Conditions:
Hereditary cancer-predisposing syndrome. Also called: Hereditary Cancer Syndrome; Tumor predisposition; Hereditary neoplastic syndrome; Neoplastic Syndromes, Hereditary. Identifiers: Orphanet 140162, MedGen C0027672, MeSH D009386, MONDO:0015356.
Cardiovascular phenotype. Identifiers: MedGen CN230736.

gnomAD v4.1: 1 of 1,612,724 alleles (0.000062%); highest among the groups gnomAD compares: Non-Finnish European, 0.000085%; no homozygotes.

Submission:

Ambry Genetics
Classification: Uncertain significance for Cardiovascular phenotype; Hereditary cancer-predisposing syndrome. Last evaluated: 2024-07-28. Review status: criteria provided, single submitter. Criteria: Ambry Variant Classification Scheme 2023. Collection method: clinical testing. Allele origin: germline.
Comment: The p.L180I variant (also known as c.538T>A), located in coding exon 5 of the NF1 gene, results from a T to A substitution at nucleotide position 538. The leucine at codon 180 is replaced by isoleucine, an amino acid with highly similar properties. This amino acid position is conserved. In addition, this alteration is predicted to be tolerated by in silico analysis. Based on the available evidence, the clinical significance of this variant remains unclear.